The following is an entry in ClinVar:

ClinVar aggregate classification (germline): Uncertain significance (1 of 4 stars; one submission).

Conditions:
Alzheimer disease 4 (AD4). Identifiers: Orphanet 1020, MedGen C1847200, MONDO:0011743, OMIM 606889.

Allele frequency attached by ClinVar (database versions not stated): gnomAD exomes below 0.00001.
gnomAD v4.1: 1 of 1,613,922 alleles (0.000062%); highest among the groups gnomAD compares: Non-Finnish European, 0.000085%; no homozygotes.

Submission:

Labcorp Genetics (formerly Invitae), Labcorp
Classification: Uncertain significance for Alzheimer disease 4. Last evaluated: 2022-05-03. Review status: criteria provided, single submitter. Criteria: Invitae Variant Classification Sherloc (09022015). Collection method: clinical testing. Allele origin: germline.
Comment: In summary, the available evidence is currently insufficient to determine the role of this variant in disease. Therefore, it has been classified as a Variant of Uncertain Significance. Algorithms developed to predict the effect of missense changes on protein structure and function (SIFT, PolyPhen-2, Align-GVGD) all suggest that this variant is likely to be disruptive. This variant has not been reported in the literature in individuals affected with PSEN2-related conditions. This variant is not present in population databases (gnomAD no frequency). This sequence change replaces leucine, which is neutral and non-polar, with proline, which is neutral and non-polar, at codon 180 of the PSEN2 protein (p.Leu180Pro).

NM_000447.3(PSEN2):c.539T>C (p.Leu180Pro)

Gene: PSEN2 (presenilin 2; plus strand). Cytogenetic location: 1q42.13.
Variant type: single nucleotide variant.
Coding change: c.539T>C on transcript NM_000447.3 (MANE Select); coding-DNA position 539, T replaced by C.
Protein change: p.Leu180Pro; replaces leucine 180 with proline.
Molecular consequence: missense variant.
Genome position (GRCh38, 1-based): chr1:226,888,131, T>C. VCF-style: chr1-226888131-T-C. GRCh37 (hg19) VCF-style: chr1-227075832-T-C.
Other names: c.539T>C, p.Leu180Pro (NM_012486.3); short protein forms L180P.
Identifiers: ClinVar variation 1921409 (VCV001921409.5), dbSNP rs2527976155, ClinGen allele CA345039881.